The following is an entry in ClinVar:

NM_004183.4(BEST1):c.495G>A (p.Pro165=)

Gene: BEST1 (bestrophin 1; plus strand). Cytogenetic location: 11q12.3.
Variant type: single nucleotide variant.
Coding change: c.495G>A on transcript NM_004183.4 (MANE Select); coding-DNA position 495, G replaced by A.
Protein change: p.Pro165=; no amino-acid change (proline 165 retained).
Molecular consequence: synonymous variant. On other transcripts: non-coding transcript variant (1).
Genome position (GRCh38, 1-based): chr11:61,956,857, G>A. VCF-style: chr11-61956857-G-A. GRCh37 (hg19) VCF-style: chr11-61724329-G-A.
Other names: c.315G>A, p.Pro105= (NM_001139443.3, NM_001300786.2, NM_001300787.2); c.177G>A, p.Pro59= (NM_001363591.3); c.495G>A, p.Pro165= (NM_001363592.2); c.-681G>A (NM_001363593.3).
Identifiers: ClinVar variation 289316 (VCV000289316.22), dbSNP rs182941675, ClinGen allele CA6040767.

ClinVar aggregate classification (germline): Conflicting classifications of pathogenicity. Review status: criteria provided, conflicting classifications (1 of 4 stars). 7 submissions from 5 submitters: Uncertain significance (1); Benign (4); Likely benign (2). Last evaluated 2025-10-26.

Conditions:
Retinal dystrophy. Also called: Inherited retinal dystrophy. Identifiers: Orphanet 71862, MedGen C0854723, MeSH D058499, MONDO:0019118, HP:0000556.
Retinitis pigmentosa (RP). Identifiers: Orphanet 791, MedGen C0035334, MeSH D012174, MONDO:0019200, OMIM 268000. Inheritance: Autosomal dominant, autosomal recessive and X linked inheritance.
Vitelliform macular dystrophy 2. Also called: MACULAR DEGENERATION, POLYMORPHIC VITELLINE; Best vitelliform macular dystrophy, multifocal; Best Macular Dystrophy; Best Vitelliform Macular Dystrophy (BVMD); VITELLIFORM MACULAR DYSTROPHY, EARLY-ONSET; VITELLIFORM MACULAR DYSTROPHY, JUVENILE-ONSET. Identifiers: Orphanet 1243, MedGen C2745945, MONDO:0007931, OMIM 153700.
Autosomal dominant vitreoretinochoroidopathy. Also called: VITREORETINOCHOROIDOPATHY, AUTOSOMAL DOMINANT, WITH NANOPHTHALMOS; Autosomal Dominant Vitreoretinochoroidopathy (ADVIRC); VITREORETINOCHOROIDOPATHY WITH MICROCORNEA, GLAUCOMA, AND CATARACT. Identifiers: Orphanet 263347, Orphanet 3086, MedGen C3888099, MONDO:0008662, OMIM 193220.

Allele frequency attached by ClinVar (database versions not stated): gnomAD 0.00022 and 0.00030; TOPMed 0.00036; ExAC 0.00054; gnomAD exomes 0.00062; 1000 Genomes Project 30x 0.00094; 1000 Genomes Project 0.00120.
gnomAD v4.1: 350 of 1,614,068 alleles (0.022%); highest among the groups gnomAD compares: East Asian, 0.63%; 3 homozygotes.

Submissions (12):

Labcorp Genetics (formerly Invitae), Labcorp
Classification: Benign. Last evaluated: 2025-10-26. Review status: criteria provided, single submitter. Criteria: Invitae Variant Classification Sherloc (09022015). Collection method: clinical testing. Allele origin: germline.

Blueprint Genetics
Classification: Likely benign. Last evaluated: 2024-10-10. Review status: criteria provided, single submitter. Criteria: ACMG Guidelines, 2015. Collection method: clinical testing. Allele origin: germline.

Dept Of Ophthalmology, Nagoya University
Classification: Likely benign for Retinal dystrophy. Last evaluated: 2023-10-01. Review status: criteria provided, single submitter. Criteria: Submitter's publication. Collection method: research. Allele origin: germline. Affected: yes.

Illumina Laboratory Services, Illumina
Classification: Benign for Vitelliform macular dystrophy 2. Last evaluated: 2018-01-12. Review status: criteria provided, single submitter. Criteria: ICSL Variant Classification Criteria 13 December 2019. Collection method: clinical testing. Allele origin: germline.
Comment: This variant was observed in the ICSL laboratory as part of a predisposition screen in an ostensibly healthy population. It had not been previously curated by ICSL or reported in the Human Gene Mutation Database (HGMD: prior to June 1st, 2018), and was therefore a candidate for classification through an automated scoring system. Utilizing variant allele frequency, disease prevalence and penetrance estimates, and inheritance mode, an automated score was calculated to assess if this variant is too frequent to cause the disease. Based on the score and internal cut-off values, a variant classified as benign is not then subjected to further curation. The score for this variant resulted in a classification of benign for this disease.

Illumina Laboratory Services, Illumina
Classification: Benign for Autosomal dominant vitreoretinochoroidopathy. Last evaluated: 2018-01-12. Review status: criteria provided, single submitter. Criteria: ICSL Variant Classification Criteria 13 December 2019. Collection method: clinical testing. Allele origin: germline.
Comment: the same text as in the submission from Illumina Laboratory Services, Illumina above.

Illumina Laboratory Services, Illumina
Classification: Uncertain significance for Retinitis pigmentosa. Last evaluated: 2018-01-12. Review status: criteria provided, single submitter. Criteria: ICSL Variant Classification Criteria 13 December 2019. Collection method: clinical testing. Allele origin: germline.

Eurofins Ntd Llc (ga)
Classification: Benign. Last evaluated: 2016-08-08. Review status: criteria provided, single submitter. Criteria: EGL Classification Definitions 2015. Collection method: clinical testing. Allele origin: germline. Observed: 1 variant allele, 1 heterozygote.

Dr. Peter K. Rogan Lab, Western University
No classification provided (evidence only). Condition: Lung cancer. Review status: no classification provided. Collection method: in vitro. Allele origin: not applicable. Functional consequence: retained intron. Not counted in ClinVar's aggregate classification.

Dr. Peter K. Rogan Lab, Western University
No classification provided (evidence only). Condition: Familial cancer of breast. Review status: no classification provided. Collection method: in vitro. Allele origin: not applicable. Functional consequence: retained intron. Not counted in ClinVar's aggregate classification.

Dr. Peter K. Rogan Lab, Western University
No classification provided (evidence only). Condition: Thyroid cancer, nonmedullary, 1. Review status: no classification provided. Collection method: in vitro. Allele origin: not applicable. Functional consequence: retained intron. Not counted in ClinVar's aggregate classification.

Dr. Peter K. Rogan Lab, Western University
No classification provided (evidence only). Condition: Uterine carcinosarcoma. Review status: no classification provided. Collection method: in vitro. Allele origin: not applicable. Functional consequence: retained intron. Not counted in ClinVar's aggregate classification.

Dr. Peter K. Rogan Lab, Western University
No classification provided (evidence only). Condition: Malignant tumor of esophagus. Review status: no classification provided. Collection method: in vitro. Allele origin: not applicable. Functional consequence: retained intron. Not counted in ClinVar's aggregate classification.